The following is an entry in ClinVar:

ClinVar aggregate classification (germline): Conflicting classifications of pathogenicity. Review status: criteria provided, conflicting classifications (1 of 4 stars). 5 submissions from 5 submitters: Pathogenic (1); Likely pathogenic (2); Uncertain significance (2). Last evaluated 2025-10-17.

Conditions:
Retinal dystrophy. Also called: Inherited retinal dystrophy. Identifiers: Orphanet 71862, MedGen C0854723, MeSH D058499, MONDO:0019118, HP:0000556.
Retinal disorder. Also called: Retinopathy; Retinopathies; Retinal Diseases; Retinal disorders. Identifiers: MedGen C0035309, MONDO:0005283, HP:0000488.

Allele frequency attached by ClinVar (database versions not stated): TOPMed 0.00001; ESP Exome Variant Server 0.00008; gnomAD exomes 0.00001; ExAC 0.00003.
gnomAD v4.1: 21 of 1,614,122 alleles (0.0013%); highest among the groups gnomAD compares: Non-Finnish European, 0.0017%; no homozygotes.

Submissions (5):

North West Genomic Laboratory Hub, Manchester University NHS Foundation Trust
Classification: Likely pathogenic for Retinal disorders. Last evaluated: 2025-10-17. Review status: criteria provided, single submitter. Criteria: ACGS Best Practice Guidelines for Variant Classification in Rare Disease 2024. Collection method: clinical testing. Allele origin: germline. Affected: yes.
Comment: PP3_Supp PM3_Str PM2_Mod

Labcorp Genetics (formerly Invitae), Labcorp
Classification: Pathogenic. Last evaluated: 2025-02-03. Review status: criteria provided, single submitter. Criteria: Invitae Variant Classification Sherloc (09022015). Collection method: clinical testing. Allele origin: germline.
Comment: This sequence change replaces glycine, which is neutral and non-polar, with aspartic acid, which is acidic and polar, at codon 606 of the ABCA4 protein (p.Gly606Asp). This variant is present in population databases (rs147932486, gnomAD 0.007%). This missense change has been observed in individual(s) with clinical features of Stargardt disease (PMID: 17296903, 23953153, 38219857; internal data). ClinVar contains an entry for this variant (Variation ID: 1015434). Invitae Evidence Modeling of protein sequence and biophysical properties (such as structural, functional, and spatial information, amino acid conservation, physicochemical variation, residue mobility, and thermodynamic stability) indicates that this missense variant is expected to disrupt ABCA4 protein function with a positive predictive value of 95%. For these reasons, this variant has been classified as Pathogenic.

Blueprint Genetics
Classification: Uncertain significance. Last evaluated: 2023-02-15. Review status: criteria provided, single submitter. Criteria: ACMG Guidelines, 2015. Collection method: clinical testing. Allele origin: germline.

GeneDx
Classification: Uncertain significance. Last evaluated: 2020-10-02. Review status: criteria provided, single submitter. Criteria: GeneDx Variant Classification Process June 2021. Collection method: clinical testing. Allele origin: germline. Affected: yes.
Comment: In silico analysis supports that this missense variant has a deleterious effect on protein structure/function; Identified in an individual with Stargardt disease in the published literature, although it is not specified in this individual harbored a second ABCA4 variant (Fujinami et al., 2013); This variant is associated with the following publications: (PMID: 17296903, 23953153)

Institute of Human Genetics, Univ. Regensburg, Univ. Regensburg
Classification: Likely pathogenic for Retinal dystrophy. Last evaluated: 2014-01-01. Review status: criteria provided, single submitter. Criteria: ACMG Guidelines, 2015. Collection method: clinical testing. Allele origin: germline. Affected: yes.

Literature cited by the submitters: PubMed 17296903 (cited by Labcorp Genetics (formerly Invitae), Labcorp and Institute of Human Genetics, Univ. Regensburg, Univ. Regensburg); PubMed 23953153 (cited by Labcorp Genetics (formerly Invitae), Labcorp and Institute of Human Genetics, Univ. Regensburg, Univ. Regensburg); PubMed 38219857 (cited by Labcorp Genetics (formerly Invitae), Labcorp); PubMed 31964843 (cited by Institute of Human Genetics, Univ. Regensburg, Univ. Regensburg).

NM_000350.3(ABCA4):c.1817G>A (p.Gly606Asp)

Gene: ABCA4 (ATP binding cassette subfamily A member 4; minus strand). Cytogenetic location: 1p22.1.
Variant type: single nucleotide variant.
Coding change: c.1817G>A on transcript NM_000350.3 (MANE Select); coding-DNA position 1817, G replaced by A.
Protein change: p.Gly606Asp; replaces glycine 606 with aspartic acid.
Molecular consequence: missense variant.
Genome position (GRCh38, 1-based): chr1:94,062,697, C>T on the plus strand (G>A on the coding strand, the complement: ABCA4 is on the minus strand). VCF-style: chr1-94062697-C-T. GRCh37 (hg19) VCF-style: chr1-94528253-C-T.
Other names: c.1817G>A, p.Gly606Asp (NM_001425324.1); short protein forms G606D.
Identifiers: ClinVar variation 1015434 (VCV001015434.14), dbSNP rs147932486, ClinGen allele CA958419.